The following is an entry in ClinVar:

NM_001035.3(RYR2):c.5874A>C (p.Thr1958=)

Gene: RYR2 (ryanodine receptor 2; plus strand). Cytogenetic location: 1q43.
Variant type: single nucleotide variant.
Coding change: c.5874A>C on transcript NM_001035.3 (MANE Select); coding-DNA position 5874, A replaced by C.
Protein change: p.Thr1958=; no amino-acid change (threonine 1958 retained).
Molecular consequence: synonymous variant.
Genome position (GRCh38, 1-based): chr1:237,617,444, A>C. VCF-style: chr1-237617444-A-C. GRCh37 (hg19) VCF-style: chr1-237780744-A-C.
Other names: c.5874A>C, p.Thr1958= (LRG_402t1).
Identifiers: ClinVar variation 532408 (VCV000532408.15), dbSNP rs746302767, ClinGen allele CA086985.
Genomic context (GRCh38, chr1:237,617,444, plus strand): 5'-CAATCAACGTTTCCGATACAACGAAGTCATGCAAGCCTTAAACATGTCAGCTGCACTCAC[A>C]GCCAGGAAGACAAAGGAATTTAGATCACCACCTCAAGAACAGGTACAGAAATGAAATGAA-3'
Protein context (NP_001026.2, residues 1948-1968): MQALNMSAAL[Thr1958=]ARKTKEFRSP

ClinVar aggregate classification (germline): Likely benign. Review status: criteria provided, multiple submitters, no conflicts (2 of 4 stars). 4 submissions from 4 submitters: Likely benign (4). Last evaluated 2026-04-01.

Conditions:
Catecholaminergic polymorphic ventricular tachycardia 1. Also called: RYR2-Related Catecholaminergic Polymorphic Ventricular Tachycardia; VENTRICULAR TACHYCARDIA, STRESS-INDUCED POLYMORPHIC 1; VENTRICULAR TACHYCARDIA, CATECHOLAMINERGIC POLYMORPHIC, 1, WITH OR WITHOUT ATRIAL DYSFUNCTION AND/OR DILATED CARDIOMYOPATHY. Identifiers: Orphanet 3286, MedGen C1631597, MONDO:0011484, OMIM 604772.
Catecholaminergic polymorphic ventricular tachycardia (CVPT). Also called: Catecholamine-induced polymorphic ventricular tachycardia. Identifiers: Orphanet 3286, MedGen C5574922, MONDO:0017990.
Cardiomyopathy (CMYO). Also called: Cardiomyopathies. Identifiers: Orphanet 167848, MedGen C0878544, MONDO:0004994, HP:0001638. Inheritance: Various modes of inheritance.

Allele frequency attached by ClinVar (database versions not stated): gnomAD exomes below 0.00001 and 0.00001; gnomAD 0.00001; TOPMed 0.00001; ExAC 0.00002.
gnomAD v4.1: 3 of 1,613,840 alleles (0.00019%); highest among the groups gnomAD compares: Admixed American, 0.005%; no homozygotes.

Submissions (4):

CeGaT Center for Human Genetics Tuebingen
Classification: Likely benign. Last evaluated: 2026-04-01. Review status: criteria provided, single submitter. Criteria: CeGaT Center For Human Genetics Tuebingen Variant Classification Criteria Version 2. Collection method: clinical testing. Allele origin: germline. Affected: yes. Observed: 1 variant allele.
Comment: RYR2: BP4, BP7

Labcorp Genetics (formerly Invitae), Labcorp
Classification: Likely benign for Catecholaminergic polymorphic ventricular tachycardia 1. Last evaluated: 2025-11-24. Review status: criteria provided, single submitter. Criteria: Invitae Variant Classification Sherloc (09022015). Collection method: clinical testing. Allele origin: germline.

All of Us Research Program, National Institutes of Health
Classification: Likely benign for Catecholaminergic polymorphic ventricular tachycardia. Last evaluated: 2024-02-05. Review status: criteria provided, single submitter. Criteria: ACMG Guidelines, 2015. Collection method: clinical testing. Allele origin: germline. Inheritance: Autosomal dominant inheritance. Observed: 4 variant alleles, 4 heterozygotes.
Comment: This study involves interpretation of variants in research participants for the purpose of population health screening. Participant phenotype was not available at the time of variant classification. Additional details can be found in publication PMID: 35346344, PMCID: PMC8962531

Color Diagnostics, LLC DBA Color Health
Classification: Likely benign for Cardiomyopathy. Last evaluated: 2019-03-08. Review status: criteria provided, single submitter. Criteria: ACMG Guidelines, 2015. Collection method: clinical testing. Allele origin: germline.